The following is an entry in ClinVar:

NM_000059.4(BRCA2):c.4412G>C (p.Arg1471Thr)

Gene: BRCA2 (BRCA2 DNA repair associated; plus strand). Cytogenetic location: 13q13.1.
Variant type: single nucleotide variant.
Coding change: c.4412G>C on transcript NM_000059.4 (MANE Select); coding-DNA position 4412, G replaced by C.
Protein change: p.Arg1471Thr; replaces arginine 1471 with threonine.
Molecular consequence: missense variant.
Genome position (GRCh38, 1-based): chr13:32,338,767, G>C. VCF-style: chr13-32338767-G-C. GRCh37 (hg19) VCF-style: chr13-32912904-G-C.
Other names: c.4412G>C, p.Arg1471Thr (NM_001406719.1, NM_001406720.1); short protein forms R1471T.
Identifiers: ClinVar variation 1740417 (VCV001740417.6), dbSNP rs786203839, ClinGen allele CA387781189.

ClinVar aggregate classification (germline): Conflicting classifications of pathogenicity. Review status: criteria provided, conflicting classifications (1 of 4 stars). 3 submissions from 3 submitters: Uncertain significance (2); Likely benign (1). Last evaluated 2024-05-21.

Conditions:
Hereditary cancer-predisposing syndrome. Also called: Hereditary Cancer Syndrome; Hereditary neoplastic syndrome; Neoplastic Syndromes, Hereditary; Tumor predisposition. Identifiers: Orphanet 140162, MedGen C0027672, MeSH D009386, MONDO:0015356.
Hereditary breast ovarian cancer syndrome. Also called: Hereditary breast and ovarian cancer syndrome (HBOC); Hereditary breast and ovarian cancer syndrome; Breast and ovarian cancer; Hereditary breast and/or ovarian cancer syndrome; Hereditary breast and ovarian cancer; BRCA1- and BRCA2-Associated Hereditary Breast and Ovarian Cancer. Identifiers: Orphanet 145, MedGen C0677776, MeSH D061325, MONDO:0003582. Disease mechanism: loss of function.

Submissions (3):

Labcorp Genetics (formerly Invitae), Labcorp
Classification: Uncertain significance for Hereditary breast ovarian cancer syndrome. Last evaluated: 2024-05-21. Review status: criteria provided, single submitter. Criteria: Invitae Variant Classification Sherloc (09022015). Collection method: clinical testing. Allele origin: germline.
Comment: This sequence change replaces arginine, which is basic and polar, with threonine, which is neutral and polar, at codon 1471 of the BRCA2 protein (p.Arg1471Thr). This variant is not present in population databases (gnomAD no frequency). This variant has not been reported in the literature in individuals affected with BRCA2-related conditions. ClinVar contains an entry for this variant (Variation ID: 1740417). Advanced modeling of protein sequence and biophysical properties (such as structural, functional, and spatial information, amino acid conservation, physicochemical variation, residue mobility, and thermodynamic stability) performed at Invitae indicates that this missense variant is not expected to disrupt BRCA2 protein function with a negative predictive value of 95%. In summary, the available evidence is currently insufficient to determine the role of this variant in disease. Therefore, it has been classified as a Variant of Uncertain Significance.

University of Washington Department of Laboratory Medicine, University of Washington
Classification: Likely benign for Hereditary cancer-predisposing syndrome. Last evaluated: 2023-03-23. Review status: criteria provided, single submitter. Criteria: Dines et al. (Genet Med. 2020). Collection method: curation. Allele origin: germline.
Comment: Missense variant in a coldspot region where missense variants are very unlikely to be pathogenic (PMID:31911673).

BRCA2 exon 11 coldspot. Reclassification based on statistical prior probability.

Ambry Genetics
Classification: Uncertain significance for Hereditary cancer-predisposing syndrome. Last evaluated: 2021-04-30. Review status: criteria provided, single submitter. Criteria: Ambry Variant Classification Scheme 2023. Collection method: clinical testing. Allele origin: germline.
Comment: The p.R1471T variant (also known as c.4412G>C), located in coding exon 10 of the BRCA2 gene, results from a G to C substitution at nucleotide position 4412. The arginine at codon 1471 is replaced by threonine, an amino acid with similar properties. This amino acid position is poorly conserved in available vertebrate species. In addition, this alteration is predicted to be tolerated by in silico analysis. Since supporting evidence is limited at this time, the clinical significance of this alteration remains unclear.